The following is an entry in ClinVar:

ClinVar aggregate classification (germline): Uncertain significance (1 of 4 stars; one submission).

Conditions:
Hereditary sensory and autonomic neuropathy type 6. Also called: Neuropathy, hereditary sensory and autonomic, type VI; HSAN VI. Identifiers: Orphanet 314381, MedGen C3539003, MONDO:0013839, OMIM 614653.
Epidermolysis bullosa simplex 3, localized or generalized intermediate, with BP230 deficiency (EBS3). Also called: Epidermolysis bullosa simplex due to BP230 deficiency; Epidermolysis bullosa simplex, autosomal recessive 2. Identifiers: Orphanet 412181, MedGen C3809470, MONDO:0014180, OMIM 615425.

Allele frequency attached by ClinVar (database versions not stated): gnomAD exomes 0.00001.
gnomAD v4.1: 6 of 1,613,742 alleles (0.00037%); highest among the groups gnomAD compares: Non-Finnish European, 0.00051%; no homozygotes.

Submission:

Labcorp Genetics (formerly Invitae), Labcorp
Classification: Uncertain significance for Epidermolysis bullosa simplex 3, localized or generalized intermediate, with BP230 deficiency; Hereditary sensory and autonomic neuropathy type 6. Last evaluated: 2021-01-29. Review status: criteria provided, single submitter. Criteria: Invitae Variant Classification Sherloc (09022015). Collection method: clinical testing. Allele origin: germline.
Comment: In summary, the available evidence is currently insufficient to determine the role of this variant in disease. Therefore, it has been classified as a Variant of Uncertain Significance. This sequence change replaces isoleucine with threonine at codon 2365 of the DST protein (p.Ile2365Thr). The isoleucine residue is weakly conserved and there is a moderate physicochemical difference between isoleucine and threonine. This variant is not present in population databases (ExAC no frequency). This variant has not been reported in the literature in individuals with DST-related conditions. Algorithms developed to predict the effect of missense changes on protein structure and function are either unavailable or do not agree on the potential impact of this missense change (SIFT: "Deleterious"; PolyPhen-2: "Benign"; Align-GVGD: "Class C65").

NM_001723.7(DST):c.7094T>C (p.Ile2365Thr)

Gene: DST (dystonin; minus strand). Cytogenetic location: 6p12.1.
Variant type: single nucleotide variant.
Coding change: c.7094T>C on transcript NM_001723.7 (MANE Plus Clinical); coding-DNA position 7094, T replaced by C.
Protein change: p.Ile2365Thr; replaces isoleucine 2365 with threonine.
Molecular consequence: missense variant. On other transcripts: intron variant (10).
Genome position (GRCh38, 1-based): chr6:56,616,373, A>G on the plus strand (T>C on the coding strand, the complement: DST is on the minus strand). VCF-style: chr6-56616373-A-G. GRCh37 (hg19) VCF-style: chr6-56481171-A-G.
Other names: c.4831-1889T>C (NM_001144769.5); c.4930-1889T>C (NM_001374722.1, NM_001374736.1); c.4957-1889T>C (NM_001374734.1); c.4417-1889T>C (NM_001144770.2); c.4297-1889T>C (NM_001374730.1, NM_001386100.1, NM_183380.4 and 1 more transcripts); c.3319-1889T>C (NM_015548.5); short protein forms I2365T.
Identifiers: ClinVar variation 1424697 (VCV001424697.8), dbSNP rs1395685012, ClinGen allele CA364563737.
Genomic context (GRCh38, chr6:56,616,373, plus strand): 5'-TAGGATTCAAAAAACATAGCTTCCTTCCACTGATATTGCTGCCCTGAAAGTTCAAGATAT[A>G]TACTTTTCTCAATCAGGTTTCTCTGGAAAGCCTCATACACGGTCAATTCTGATCCTGTTT-3'
Protein context (NP_001714.1, residues 2355-2375): AFQRNLIEKS[Ile2365Thr]YLELSGQQYQ